The following is an entry in ClinVar:

ClinVar aggregate classification (germline): Uncertain significance. Review status: criteria provided, multiple submitters, no conflicts (2 of 4 stars). 5 submissions from 5 submitters: Uncertain significance (4). 1 of the submissions does not count toward it. Last evaluated 2026-08-27.

Conditions:
VPS13B-related disorder. Also called: VPS13B-related condition.
Cohen syndrome (COH1). Also called: PEPPER SYNDROME; Cutis verticis gyrata, retinitis pigmentosa, and sensorineural deafness. Identifiers: Orphanet 193, MedGen C0265223, MONDO:0008999, OMIM 216550.

Allele frequency attached by ClinVar (database versions not stated): gnomAD exomes below 0.00001 and 0.00003; ExAC 0.00001; gnomAD 0.00001; TOPMed 0.00002.
gnomAD v4.1: 49 of 1,613,728 alleles (0.003%); highest among the groups gnomAD compares: Non-Finnish European, 0.0042%; no homozygotes.

Submissions (5):

PreventionGenetics, part of Exact Sciences
Classification: Uncertain significance for VPS13B-related condition. Last evaluated: 2026-08-27. Review status: criteria provided, single submitter. Criteria: ACMG Guidelines, 2015. Collection method: clinical testing. Allele origin: germline.
Comment: The VPS13B c.3706G>A variant is predicted to result in the amino acid substitution p.Val1236Ile. This variant has been observed in a cohort of individuals with non-syndromic and syndromic clinical diagnosis of blindness and reported as a variant of uncertain significance (Table S12, Diñeiro et al. 2020. PubMed ID: 32483926). This variant is reported in 0.0040% of alleles in individuals of African descent in gnomAD. At this time, the clinical significance of this variant is uncertain due to the absence of conclusive functional and genetic evidence.

Labcorp Genetics (formerly Invitae), Labcorp
Classification: Uncertain significance for Cohen syndrome. Last evaluated: 2025-12-23. Review status: criteria provided, single submitter. Criteria: Invitae Variant Classification Sherloc (09022015). Collection method: clinical testing. Allele origin: germline.
Comment: This sequence change replaces valine, which is neutral and non-polar, with isoleucine, which is neutral and non-polar, at codon 1236 of the VPS13B protein (p.Val1236Ile). This variant is present in population databases (rs769743278, gnomAD 0.004%). This missense change has been observed in individual(s) with vision loss (PMID: 32483926). ClinVar contains an entry for this variant (Variation ID: 448877). Invitae Evidence Modeling of protein sequence and biophysical properties (such as structural, functional, and spatial information, amino acid conservation, physicochemical variation, residue mobility, and thermodynamic stability) indicates that this missense variant is not expected to disrupt VPS13B protein function with a negative predictive value of 80%. In summary, the available evidence is currently insufficient to determine the role of this variant in disease. Therefore, it has been classified as a Variant of Uncertain Significance.

Mayo Clinic Laboratories, Mayo Clinic
Classification: Uncertain significance. Last evaluated: 2024-02-26. Review status: criteria provided, single submitter. Criteria: ACMG Guidelines, 2015. Collection method: clinical testing. Allele origin: germline. Observed: 1 variant allele.
Comment: BP4

Athena Diagnostics
Classification: Uncertain significance. Last evaluated: 2017-01-06. Review status: criteria provided, single submitter. Criteria: Athena Diagnostics Criteria. Collection method: clinical testing. Allele origin: germline.

Natera, Inc.
Classification: Uncertain significance for Cohen syndrome. Last evaluated: 2020-04-05. Review status: no assertion criteria provided. Collection method: clinical testing. Allele origin: germline. Not counted in ClinVar's aggregate classification.

Literature cited by the submitters: PubMed 32483926 (cited by Labcorp Genetics (formerly Invitae), Labcorp and Mayo Clinic Laboratories, Mayo Clinic).

NM_152564.5(VPS13B):c.3706G>A (p.Val1236Ile)

Gene: VPS13B (vacuolar protein sorting 13 homolog B; plus strand). Cytogenetic location: 8q22.2.
Variant type: single nucleotide variant.
Coding change: c.3706G>A on transcript NM_152564.5 (MANE Select); coding-DNA position 3706, G replaced by A.
Protein change: p.Val1236Ile; replaces valine 1236 with isoleucine.
Molecular consequence: missense variant.
Genome position (GRCh38, 1-based): chr8:99,481,638, G>A. VCF-style: chr8-99481638-G-A. GRCh37 (hg19) VCF-style: chr8-100493866-G-A.
Other names: c.3706G>A, p.Val1236Ile (NM_017890.5); c.3706G>A (NM_152564.4); short protein forms V1236I.
Identifiers: ClinVar variation 448877 (VCV000448877.14), dbSNP rs769743278, ClinGen allele CA4823320.